The following is an entry in ClinVar:

ClinVar aggregate classification (germline): Pathogenic (1 of 4 stars; one submission).

Conditions:
Deficiency of UDPglucose-hexose-1-phosphate uridylyltransferase. Also called: GALT deficiency; Galactosemia, classic; GALACTOSE-1-PHOSPHATE URIDYLYLTRANSFERASE DEFICIENCY; Transferase Deficiency Galactosemia; GALACTOSEMIA I. Identifiers: Orphanet 352, Orphanet 79239, MedGen C0268151, MONDO:0009258, OMIM 230400.

Submission:

Labcorp Genetics (formerly Invitae), Labcorp
Classification: Pathogenic for Deficiency of UDPglucose-hexose-1-phosphate uridylyltransferase. Last evaluated: 2023-08-16. Review status: criteria provided, single submitter. Criteria: Invitae Variant Classification Sherloc (09022015). Collection method: clinical testing. Allele origin: germline.
Comment: This sequence change replaces serine, which is neutral and polar, with asparagine, which is neutral and polar, at codon 222 of the GALT protein (p.Ser222Asn). For these reasons, this variant has been classified as Pathogenic. This variant disrupts the p.Ser222 amino acid residue in GALT. Other variant(s) that disrupt this residue have been observed in individuals with GALT-related conditions (PMID: 33335841), which suggests that this may be a clinically significant amino acid residue. Advanced modeling of protein sequence and biophysical properties (such as structural, functional, and spatial information, amino acid conservation, physicochemical variation, residue mobility, and thermodynamic stability) performed at Invitae indicates that this missense variant is expected to disrupt GALT protein function. This missense change has been observed in individual(s) with galactosemia (PMID: 28649529). In at least one individual the data is consistent with being in trans (on the opposite chromosome) from a pathogenic variant. This variant is not present in population databases (gnomAD no frequency).

Literature cited by the submitters: PubMed 33335841; PubMed 28649529.

NM_000155.4(GALT):c.665G>A (p.Ser222Asn)

Gene: GALT (galactose-1-phosphate uridylyltransferase; plus strand). Cytogenetic location: 9p13.3.
Variant type: single nucleotide variant.
Coding change: c.665G>A on transcript NM_000155.4 (MANE Select); coding-DNA position 665, G replaced by A.
Protein change: p.Ser222Asn; replaces serine 222 with asparagine.
Molecular consequence: missense variant.
Genome position (GRCh38, 1-based): chr9:34,648,434, G>A. VCF-style: chr9-34648434-G-A. GRCh37 (hg19) VCF-style: chr9-34648431-G-A.
Other names: c.338G>A, p.Ser113Asn (NM_001258332.2); short protein forms S113N, S222N.
Identifiers: ClinVar variation 2880936 (VCV002880936.3), dbSNP rs2132344327, ClinGen allele CA373282300.